The following is an entry in ClinVar:

NM_001101362.3(KBTBD13):c.*1499T>C

Gene: KBTBD13 (kelch repeat and BTB domain containing 13; plus strand). Cytogenetic location: 15q22.31.
Variant type: single nucleotide variant.
Coding change: c.*1499T>C on transcript NM_001101362.3 (MANE Select); 1499 bases downstream of the stop codon, T replaced by C.
Molecular consequence: 3 prime UTR variant.
Genome position (GRCh38, 1-based): chr15:65,079,691, T>C. VCF-style: chr15-65079691-T-C. GRCh37 (hg19) VCF-style: chr15-65372029-T-C.
Identifiers: ClinVar variation 316773 (VCV000316773.5), dbSNP rs117320020, ClinGen allele CA10646460.

ClinVar aggregate classification (germline): Benign (1 of 4 stars; one submission).

Conditions:
Nemaline myopathy 6 (NEM6). Also called: Nemaline myopathy 6, autosomal dominant. Identifiers: Orphanet 171439, MedGen C1836472, MONDO:0012237, OMIM 609273.

Allele frequency attached by ClinVar (database versions not stated): TOPMed 0.00168; gnomAD 0.00275 and 0.00303; 1000 Genomes Project 30x 0.00484; 1000 Genomes Project 0.00599.

Submission:

Illumina Laboratory Services, Illumina
Classification: Benign for Nemaline myopathy 6. Last evaluated: 2018-01-13. Review status: criteria provided, single submitter. Criteria: ICSL Variant Classification Criteria 13 December 2019. Collection method: clinical testing. Allele origin: germline.
Comment: This variant was observed in the ICSL laboratory as part of a predisposition screen in an ostensibly healthy population. It had not been previously curated by ICSL or reported in the Human Gene Mutation Database (HGMD: prior to June 1st, 2018), and was therefore a candidate for classification through an automated scoring system. Utilizing variant allele frequency, disease prevalence and penetrance estimates, and inheritance mode, an automated score was calculated to assess if this variant is too frequent to cause the disease. Based on the score and internal cut-off values, a variant classified as benign is not then subjected to further curation. The score for this variant resulted in a classification of benign for this disease.